The following is an entry in ClinVar:

ClinVar aggregate classification (germline): Uncertain significance (1 of 4 stars; one submission).

Conditions:
Usher syndrome type 1C. Also called: USHER SYNDROME, TYPE I, ACADIAN VARIETY. Identifiers: Orphanet 231169, Orphanet 886, MedGen C1848604, MONDO:0010171, OMIM 276904.

Submission:

Myriad Genetics, Inc.
Classification: Uncertain significance for Usher syndrome type 1C. Last evaluated: 2025-09-17. Review status: criteria provided, single submitter. Criteria: Myriad Autosomal Dominant, Autosomal Recessive and X-Linked Classification Criteria (2023). Collection method: clinical testing. Allele origin: unknown.
Comment: NM_005709.3(USH1C):c.1285-2718G>A is an intronic variant classified as a variant of uncertain significance in the context of USH1C-related disorders. c.1285-2718G>A has not been observed in cases with relevant disease. Relevant functional assessments of this variant are not available in the literature. c.1285-2718G>A has not been observed in referenced population frequency databases. In summary, there is insufficient evidence to classify NM_005709.3(USH1C):c.1285-2718G>A as pathogenic or benign. Please note: this variant was assessed in the context of healthy population screening.

NM_153676.4(USH1C):c.2134-1G>A

Gene: USH1C (USH1 protein network component harmonin; minus strand). Cytogenetic location: 11p15.1.
Variant type: single nucleotide variant.
Coding change: c.2134-1G>A on transcript NM_153676.4 (MANE Select); the canonical splice acceptor site of the intron before coding-DNA position 2134, G replaced by A.
Molecular consequence: splice acceptor variant. On other transcripts: intron variant (10).
Genome position (GRCh38, 1-based): chr11:17,504,698, C>T on the plus strand (G>A on the coding strand, the complement: USH1C is on the minus strand). VCF-style: chr11-17504698-C-T. GRCh37 (hg19) VCF-style: chr11-17526245-C-T.
Other names: c.1228-2718G>A (NM_001297764.2); c.1211-6427G>A (NM_001440687.1); c.1414-2718G>A (NM_001440681.1); c.1285-2718G>A (NM_001440685.1, NM_005709.4, NM_001440682.1); c.1285-1G>A (NM_001440683.1); c.1438-2718G>A (NM_001440680.1); c.1261-2718G>A (NM_001440686.1); c.1318-2718G>A (NM_001440684.1); and 1 more.
Identifiers: ClinVar variation 5003371 (VCV005003371.1).